The following is an entry in ClinVar:

NM_015466.4(PTPN23):c.3485G>A (p.Arg1162Gln)

Gene: PTPN23 (protein tyrosine phosphatase non-receptor type 23; plus strand). Cytogenetic location: 3p21.31.
Variant type: single nucleotide variant.
Coding change: c.3485G>A on transcript NM_015466.4 (MANE Select); coding-DNA position 3485, G replaced by A.
Protein change: p.Arg1162Gln; replaces arginine 1162 with glutamine.
Molecular consequence: missense variant.
Genome position (GRCh38, 1-based): chr3:47,411,283, G>A. VCF-style: chr3-47411283-G-A. GRCh37 (hg19) VCF-style: chr3-47452773-G-A.
Other names: c.3107G>A, p.Arg1036Gln (NM_001304482.2); c.3485G>A (NM_015466.2); short protein forms R1036Q, R1162Q.
Identifiers: ClinVar variation 1517188 (VCV001517188.6), dbSNP rs150589115, ClinGen allele CA2366292.
Genomic context (GRCh38, chr3:47,411,283, plus strand): 5'-AGCCCACCAAGGTGGATGCAGCTGAGGGTCGTCGGCCGCAGGCCCTGCGGCTGATTGAGC[G>A]GGACCCCTATGAGCATCCTGAGAGGCTGCGGCAGTTGCAGCAGGAGCTGGAGGCCTTTCG-3'
Protein context (NP_056281.1, residues 1152-1172): RRPQALRLIE[Arg1162Gln]DPYEHPERLR

ClinVar aggregate classification (germline): Conflicting classifications of pathogenicity. Review status: criteria provided, conflicting classifications (1 of 4 stars). 2 submissions from 2 submitters: Uncertain significance (1); Likely benign (1). Last evaluated 2025-11-05.

Conditions:
Inborn genetic diseases. Identifiers: MedGen C0950123, MeSH D030342.

Allele frequency attached by ClinVar (database versions not stated): ExAC 0.00008; 1000 Genomes Project 0.00020; gnomAD 0.00001; gnomAD exomes 0.00004 and 0.00006; ESP Exome Variant Server 0.00008; TOPMed 0.00003; 1000 Genomes Project 30x 0.00016.

Submissions (2):

Ambry Genetics
Classification: Likely benign for Inborn genetic diseases. Last evaluated: 2025-11-05. Review status: criteria provided, single submitter. Criteria: Ambry Variant Classification Scheme 2023. Collection method: clinical testing. Allele origin: germline.

Labcorp Genetics (formerly Invitae), Labcorp
Classification: Uncertain significance. Last evaluated: 2024-02-14. Review status: criteria provided, single submitter. Criteria: Invitae Variant Classification Sherloc (09022015). Collection method: clinical testing. Allele origin: germline.
Comment: This sequence change replaces arginine, which is basic and polar, with glutamine, which is neutral and polar, at codon 1162 of the PTPN23 protein (p.Arg1162Gln). This variant is present in population databases (rs150589115, gnomAD 0.02%). This variant has not been reported in the literature in individuals affected with PTPN23-related conditions. ClinVar contains an entry for this variant (Variation ID: 1517188). Algorithms developed to predict the effect of missense changes on protein structure and function output the following: SIFT: "Not Available"; PolyPhen-2: "Benign"; Align-GVGD: "Not Available". The glutamine amino acid residue is found in multiple mammalian species, which suggests that this missense change does not adversely affect protein function. In summary, the available evidence is currently insufficient to determine the role of this variant in disease. Therefore, it has been classified as a Variant of Uncertain Significance.